The following is an entry in ClinVar:

NM_000152.5(GAA):c.1444C>T (p.Pro482Ser)

Gene: GAA (alpha glucosidase; plus strand). Cytogenetic location: 17q25.3.
Variant type: single nucleotide variant.
Coding change: c.1444C>T on transcript NM_000152.5 (MANE Select); coding-DNA position 1444, C replaced by T.
Protein change: p.Pro482Ser; replaces proline 482 with serine.
Molecular consequence: missense variant.
Genome position (GRCh38, 1-based): chr17:80,110,733, C>T. VCF-style: chr17-80110733-C-T. GRCh37 (hg19) VCF-style: chr17-78084532-C-T.
Other names: c.1444C>T, p.Pro482Ser (NM_001079803.3, NM_001079804.3, NM_001406741.1 and 1 more transcripts); short protein forms P482S.
Identifiers: ClinVar variation 4876631 (VCV004876631.1).

ClinVar aggregate classification (germline): Uncertain significance (1 of 4 stars; one submission).

Conditions:
Glycogen storage disease, type II (IOPD). Also called: Pompe Disease; CARDIOMEGALIA GLYCOGENICA DIFFUSA; GLYCOGENOSIS, GENERALIZED, CARDIAC FORM; GSD II; POMPE DISEASE, INFANTILE-ONSET; GLYCOGEN STORAGE DISEASE II, INFANTILE-ONSET. Identifiers: Orphanet 365, MedGen C0017921, MONDO:0009290, OMIM 232300.

Submission:

Genomenon, Inc
Classification: Uncertain significance for Glycogen storage disease, type II. Last evaluated: 2026-07-01. Review status: criteria provided, single submitter. Criteria: Genomenon Sequence Variant Interpretation Standards - Updated. Collection method: curation. Allele origin: germline. Affected: yes.
Comment: GAA p.Pro482Ser (c.1444C>T) is a missense variant that changes the amino acid at codon 482 from Proline to Serine. This variant has been observed in at least one proband with a GAA-related disorder in the compound heterozygous and/or homozygous state (PMID:40952111). It is absent or not present at a significant frequency in gnomAD. In silico models predict that this variant is possibly or probably damaging. In conclusion, we classify GAA p.Pro482Ser (c.1444C>T) as a variant of uncertain significance.

Literature cited by the submitters: PubMed 40952111.